The following is an entry in ClinVar:

ClinVar aggregate classification (germline): Uncertain significance (1 of 4 stars; one submission).

Submission:

GeneDx
Classification: Uncertain significance. Last evaluated: 2021-06-23. Review status: criteria provided, single submitter. Criteria: GeneDx Variant Classification Process June 2021. Collection method: clinical testing. Allele origin: germline. Affected: yes.
Comment: Not observed at significant frequency in large population cohorts (Lek et al., 2016); In silico analysis supports that this missense variant does not alter protein structure/function; Has not been previously published as pathogenic or benign to our knowledge; This variant is associated with the following publications: (PMID: 27535533)

NM_001270.4(CHD1):c.3502C>G (p.Leu1168Val)

Gene: CHD1 (chromodomain helicase DNA binding protein 1; minus strand). Cytogenetic location: 5q15.
Variant type: single nucleotide variant.
Coding change: c.3502C>G on transcript NM_001270.4 (MANE Select); coding-DNA position 3502, C replaced by G.
Protein change: p.Leu1168Val; replaces leucine 1168 with valine.
Molecular consequence: missense variant. On other transcripts: non-coding transcript variant (2).
Genome position (GRCh38, 1-based): chr5:98,873,662, G>C on the plus strand (C>G on the coding strand, the complement: CHD1 is on the minus strand). VCF-style: chr5-98873662-G-C. GRCh37 (hg19) VCF-style: chr5-98209366-G-C.
Other names: c.3502C>G, p.Leu1168Val (NM_001364113.3, NM_001376194.2); short protein forms L1168V.
Identifiers: ClinVar variation 1329715 (VCV001329715.2), dbSNP rs2112334684, ClinGen allele CA360524385.
Genomic context (GRCh38, chr5:98,873,662, plus strand): 5'-CTGTTCCTGAAGAACTATCCTTTAATGCTTTAATGCAACCATTATGTACCAATTCTCCCA[G>C]TCGTCTAAGGTCTGTTTCTGACTTATCAACTAACTCAGCATCTCGAGCAATTGCATCTAA-3'
Protein context (NP_001261.2, residues 1158-1178): VDKSETDLRR[Leu1168Val]GELVHNGCIK